The following is an entry in ClinVar:

NM_194454.3(KRIT1):c.1255_1270del16 (p.Glu420fs)

Gene: KRIT1 (KRIT1 ankyrin repeat containing; minus strand). Cytogenetic location: 7q21.2.
Variant type: Deletion.
Coding change: c.1255_1270del16 on transcript NM_194454.3 (MANE Select); coding-DNA positions 1255 to 1270, 16 bases deleted (GAAAAAGTTCGAATAT).
Protein change: p.Glu420fs; shifts the reading frame from glutamic acid 420.
Molecular consequence: frameshift variant.
Genome position (GRCh38, 1-based): chr7:92,222,960-92,222,975, ATATTCGAACTTTTTC deleted on the plus strand (GAAAAAGTTCGAATAT on the coding strand, the reverse complement: KRIT1 is on the minus strand); deleting any 16 consecutive bases within chr7:92,222,960-92,222,978 gives the same sequence; the c. name uses the placement nearest the transcript's 3' end. VCF-style (leftmost placement, unchanged base first): chr7-92222959-TATATTCGAACTTTTTC-T. GRCh37 (hg19) VCF-style: chr7-91852273-TATATTCGAACTTTTTC-T.
Other names: c.1111_1126del16, p.Glu372fs (NM_001013406.2, NM_001350669.1, NM_001350670.1); c.541_556del16, p.Glu182fs (NM_001350671.1); c.1255_1270del16, p.Glu420fs (NM_001350672.1, NM_001350673.1, NM_001350674.1 and 26 more transcripts); short protein forms E182fs, E372fs, E420fs.
Identifiers: ClinVar variation 1397943 (VCV001397943.8), dbSNP rs2131455281, ClinGen allele CA2573142411.

ClinVar aggregate classification (germline): Pathogenic (1 of 4 stars; one submission).

Conditions:
Cerebral cavernous malformation (CCM). Also called: Cavernous Hemangioma of Brain; Cerebral cavernous malformations; CAVERNOUS ANGIOMA, FAMILIAL; CAVERNOUS ANGIOMATOUS MALFORMATIONS; CEREBRAL CAPILLARY MALFORMATIONS; Cerebral cavernous hemangioma (type). Identifiers: Orphanet 221061, MedGen C2919945, MONDO:0000820, OMIM 116860, HP:0033522.

Submission:

Labcorp Genetics (formerly Invitae), Labcorp
Classification: Pathogenic for Cerebral cavernous malformation. Last evaluated: 2025-03-20. Review status: criteria provided, single submitter. Criteria: Invitae Variant Classification Sherloc (09022015). Collection method: clinical testing. Allele origin: germline.
Comment: This sequence change creates a premature translational stop signal (p.Glu420Thrfs*12) in the KRIT1 gene. It is expected to result in an absent or disrupted protein product. Loss-of-function variants in KRIT1 are known to be pathogenic (PMID: 10508515, 11222804, 12404106, 24689081). This variant is not present in population databases (gnomAD no frequency). This premature translational stop signal has been observed in individual(s) with cerebral cavernous malformations (PMID: 24689081). This variant is also known as c.1255_1270del. ClinVar contains an entry for this variant (Variation ID: 1397943). For these reasons, this variant has been classified as Pathogenic.

Literature cited by the submitters: PubMed 10508515; PubMed 11222804; PubMed 12404106; PubMed 24689081.